The following is an entry in ClinVar:

ClinVar aggregate classification (germline): Conflicting classifications of pathogenicity. Review status: criteria provided, conflicting classifications (1 of 4 stars). 4 submissions from 4 submitters: Uncertain significance (3); Likely benign (1). Last evaluated 2026-04-20.

Conditions:
SMPD1-related disorder. Also called: SMPD1-related condition.
Niemann-Pick disease, type A. Also called: SPHINGOMYELIN LIPIDOSIS; SPHINGOMYELINASE DEFICIENCY; Infantile Neurovisceral ASMD (Niemann-Pick Disease Type A; NPD-A). Identifiers: Orphanet 77292, MedGen C0268242, MONDO:0009756, OMIM 257200. Disease mechanism: loss of function.
Niemann-Pick disease, type B. Also called: Chronic Visceral ASMD (Niemann-Pick Disease Type B; NPD-B). Identifiers: Orphanet 77293, MedGen C0268243, MONDO:0011871, OMIM 607616. Disease mechanism: loss of function.
Inborn genetic diseases. Identifiers: MedGen C0950123, MeSH D030342.

Allele frequency attached by ClinVar (database versions not stated): gnomAD 0.00001 and 0.00008; TOPMed 0.00003; gnomAD exomes 0.00006 and 0.00010; ExAC 0.00013; 1000 Genomes Project 30x 0.00078; 1000 Genomes Project 0.00100.
gnomAD v4.1: 115 of 1,614,098 alleles (0.0071%); highest among the groups gnomAD compares: South Asian, 0.1%; 1 homozygote.

Submissions (4):

PreventionGenetics, part of Exact Sciences
Classification: Uncertain significance for SMPD1-related condition. Last evaluated: 2026-04-20. Review status: criteria provided, single submitter. Criteria: ACMG Guidelines, 2015. Collection method: clinical testing. Allele origin: germline.
Comment: The SMPD1 c.229G>A variant is predicted to result in the amino acid substitution p.Val77Met. To our knowledge, this variant has not been reported in the literature. This variant is reported in 0.065% of alleles in individuals of South Asian descent in gnomAD, which may be too frequent to be a primary cause of disease. Although we suspect that this variant may be benign, at this time, the clinical significance of this variant is uncertain due to the absence of conclusive functional and genetic evidence.

GeneDx
Classification: Uncertain significance. Last evaluated: 2026-02-23. Review status: criteria provided, single submitter. Criteria: GeneDx Variant Classification Process June 2021. Collection method: clinical testing. Allele origin: germline.
Comment: In silico analysis suggests that this missense variant does not alter protein structure/function; Has not been previously published as pathogenic or benign to our knowledge

Labcorp Genetics (formerly Invitae), Labcorp
Classification: Likely benign for Niemann-Pick disease, type B; Niemann-Pick disease, type A. Last evaluated: 2026-02-04. Review status: criteria provided, single submitter. Criteria: Invitae Variant Classification Sherloc (09022015). Collection method: clinical testing. Allele origin: germline.

Ambry Genetics
Classification: Uncertain significance for Inborn genetic diseases. Last evaluated: 2021-10-11. Review status: criteria provided, single submitter. Criteria: Ambry Variant Classification Scheme 2023. Collection method: clinical testing. Allele origin: germline.
Comment: The p.V77M variant (also known as c.229G>A), located in coding exon 1 of the SMPD1 gene, results from a G to A substitution at nucleotide position 229. The valine at codon 77 is replaced by methionine, an amino acid with highly similar properties. This amino acid position is conserved. In addition, this alteration is predicted to be tolerated by in silico analysis. Since supporting evidence is limited at this time, the clinical significance of this alteration remains unclear.

NM_000543.5(SMPD1):c.229G>A (p.Val77Met)

Gene: SMPD1 (sphingomyelin phosphodiesterase 1; plus strand). Cytogenetic location: 11p15.4.
Variant type: single nucleotide variant.
Coding change: c.229G>A on transcript NM_000543.5 (MANE Select); coding-DNA position 229, G replaced by A.
Protein change: p.Val77Met; replaces valine 77 with methionine.
Molecular consequence: missense variant. On other transcripts: 5 prime UTR variant (1), non-coding transcript variant (2).
Genome position (GRCh38, 1-based): chr11:6,390,827, G>A. VCF-style: chr11-6390827-G-A. GRCh37 (hg19) VCF-style: chr11-6412057-G-A.
Other names: c.229G>A, p.Val77Met (NM_001007593.3, NM_001318087.2, NM_001365135.2); c.-733G>A (NM_001318088.2); short protein forms V77M.
Identifiers: ClinVar variation 785511 (VCV000785511.15), dbSNP rs560531338, ClinGen allele CA5852528.